The following is an entry in ClinVar:

ClinVar aggregate classification (germline): Uncertain significance (1 of 4 stars; one submission).

Submission:

Labcorp Genetics (formerly Invitae), Labcorp
Classification: Uncertain significance. Last evaluated: 2022-10-13. Review status: criteria provided, single submitter. Criteria: Invitae Variant Classification Sherloc (09022015). Collection method: clinical testing. Allele origin: germline.
Comment: This sequence change replaces glutamic acid, which is acidic and polar, with alanine, which is neutral and non-polar, at codon 421 of the FBLN5 protein (p.Glu421Ala). In summary, the available evidence is currently insufficient to determine the role of this variant in disease. Therefore, it has been classified as a Variant of Uncertain Significance. Advanced modeling of protein sequence and biophysical properties (such as structural, functional, and spatial information, amino acid conservation, physicochemical variation, residue mobility, and thermodynamic stability) performed at Invitae indicates that this missense variant is not expected to disrupt FBLN5 protein function. ClinVar contains an entry for this variant (Variation ID: 1518497). This variant has not been reported in the literature in individuals affected with FBLN5-related conditions. This variant is not present in population databases (gnomAD no frequency).

NM_006329.4(FBLN5):c.1262A>C (p.Glu421Ala)

Gene: FBLN5 (fibulin 5; minus strand). Cytogenetic location: 14q32.12.
Variant type: single nucleotide variant.
Coding change: c.1262A>C on transcript NM_006329.4 (MANE Select); coding-DNA position 1262, A replaced by C.
Protein change: p.Glu421Ala; replaces glutamic acid 421 with alanine.
Molecular consequence: missense variant. On other transcripts: 3 prime UTR variant (2).
Genome position (GRCh38, 1-based): chr14:91,870,309, T>G on the plus strand (A>C on the coding strand, the complement: FBLN5 is on the minus strand). VCF-style: chr14-91870309-T-G. GRCh37 (hg19) VCF-style: chr14-92336653-T-G.
Other names: c.1385A>C, p.Glu462Ala (NM_001384158.1); c.1313A>C, p.Glu438Ala (NM_001384159.1); c.*46A>C (NM_001384160.1, NM_001384161.1); c.1094A>C, p.Glu365Ala (NM_001384162.1); short protein forms E462A, E438A, E365A, E421A.
Identifiers: ClinVar variation 1518497 (VCV001518497.8), dbSNP rs2139936782, ClinGen allele CA390639267.